The following is an entry in ClinVar:

ClinVar aggregate classification (germline): Uncertain significance. Review status: criteria provided, multiple submitters, no conflicts (2 of 4 stars). 2 submissions from 2 submitters: Uncertain significance (2). Last evaluated 2025-08-26.

Conditions:
Primary ciliary dyskinesia. Also called: Ciliary dyskinesia. Identifiers: Orphanet 244, MedGen C0008780, MONDO:0016575, HP:0012265.

Allele frequency attached by ClinVar (database versions not stated): gnomAD 0.00002; gnomAD exomes 0.00002 and 0.00005; 1000 Genomes Project 30x 0.00031; 1000 Genomes Project 0.00040.
gnomAD v4.1: 31 of 1,548,892 alleles (0.002%); highest among the groups gnomAD compares: East Asian, 0.073%; no homozygotes.

Submissions (2):

Ambry Genetics
Classification: Uncertain significance for Primary ciliary dyskinesia. Last evaluated: 2025-08-26. Review status: criteria provided, single submitter. Criteria: Ambry Variant Classification Scheme 2023. Collection method: clinical testing. Allele origin: germline.

Labcorp Genetics (formerly Invitae), Labcorp
Classification: Uncertain significance for Primary ciliary dyskinesia. Last evaluated: 2022-08-09. Review status: criteria provided, single submitter. Criteria: Invitae Variant Classification Sherloc (09022015). Collection method: clinical testing. Allele origin: germline.
Comment: In summary, the available evidence is currently insufficient to determine the role of this variant in disease. Therefore, it has been classified as a Variant of Uncertain Significance. Algorithms developed to predict the effect of missense changes on protein structure and function (SIFT, PolyPhen-2, Align-GVGD) all suggest that this variant is likely to be tolerated. ClinVar contains an entry for this variant (Variation ID: 1411182). This variant has not been reported in the literature in individuals affected with DNAAF1-related conditions. This variant is present in population databases (rs193069859, gnomAD 0.07%). This sequence change replaces glycine, which is neutral and non-polar, with glutamic acid, which is acidic and polar, at codon 37 of the DNAAF1 protein (p.Gly37Glu).

NM_178452.6(DNAAF1):c.110G>A (p.Gly37Glu)

Gene: DNAAF1 (dynein axonemal assembly factor 1; plus strand). Cytogenetic location: 16q24.1.
Variant type: single nucleotide variant.
Coding change: c.110G>A on transcript NM_178452.6 (MANE Select); coding-DNA position 110, G replaced by A.
Protein change: p.Gly37Glu; replaces glycine 37 with glutamic acid.
Molecular consequence: missense variant.
Genome position (GRCh38, 1-based): chr16:84,145,550, G>A. VCF-style: chr16-84145550-G-A. GRCh37 (hg19) VCF-style: chr16-84179155-G-A.
Other names: c.110G>A (NM_178452.4); short protein forms G37E.
Identifiers: ClinVar variation 1411182 (VCV001411182.9), dbSNP rs193069859, ClinGen allele CA8202346.